The following is an entry in ClinVar:

ClinVar aggregate classification (germline): Uncertain significance. Review status: criteria provided, multiple submitters, no conflicts (2 of 4 stars). 2 submissions from 2 submitters: Uncertain significance (2). Last evaluated 2023-12-12.

Conditions:
Hereditary nonpolyposis colorectal neoplasms. Identifiers: MedGen C0009405, MeSH D003123.
Hereditary cancer-predisposing syndrome. Also called: Neoplastic Syndromes, Hereditary; Hereditary Cancer Syndrome; Tumor predisposition; Hereditary neoplastic syndrome. Identifiers: Orphanet 140162, MedGen C0027672, MeSH D009386, MONDO:0015356.

Submissions (2):

Labcorp Genetics (formerly Invitae), Labcorp
Classification: Uncertain significance for Hereditary nonpolyposis colorectal neoplasms. Last evaluated: 2023-12-12. Review status: criteria provided, single submitter. Criteria: Invitae Variant Classification Sherloc (09022015). Collection method: clinical testing. Allele origin: germline.
Comment: This sequence change replaces threonine, which is neutral and polar, with lysine, which is basic and polar, at codon 1284 of the MSH6 protein (p.Thr1284Lys). This variant is not present in population databases (gnomAD no frequency). This variant has not been reported in the literature in individuals affected with MSH6-related conditions. ClinVar contains an entry for this variant (Variation ID: 583143). Advanced modeling of protein sequence and biophysical properties (such as structural, functional, and spatial information, amino acid conservation, physicochemical variation, residue mobility, and thermodynamic stability) has been performed at Invitae for this missense variant, however the output from this modeling did not meet the statistical confidence thresholds required to predict the impact of this variant on MSH6 protein function. In summary, the available evidence is currently insufficient to determine the role of this variant in disease. Therefore, it has been classified as a Variant of Uncertain Significance.

Ambry Genetics
Classification: Uncertain significance for Hereditary cancer-predisposing syndrome. Last evaluated: 2021-12-21. Review status: criteria provided, single submitter. Criteria: Ambry Variant Classification Scheme 2023. Collection method: clinical testing. Allele origin: germline.
Comment: The p.T1284K variant (also known as c.3851C>A), located in coding exon 9 of the MSH6 gene, results from a C to A substitution at nucleotide position 3851. The threonine at codon 1284 is replaced by lysine, an amino acid with similar properties. This amino acid position is highly conserved in available vertebrate species. In addition, this alteration is predicted to be deleterious by in silico analysis. Since supporting evidence is limited at this time, the clinical significance of this alteration remains unclear.

NM_000179.3(MSH6):c.3851C>A (p.Thr1284Lys)

Gene: MSH6 (mutS homolog 6; plus strand). Cytogenetic location: 2p16.3.
Variant type: single nucleotide variant.
Coding change: c.3851C>A on transcript NM_000179.3 (MANE Select); coding-DNA position 3851, C replaced by A.
Protein change: p.Thr1284Lys; replaces threonine 1284 with lysine.
Molecular consequence: missense variant.
Genome position (GRCh38, 1-based): chr2:47,806,501, C>A. VCF-style: chr2-47806501-C-A. GRCh37 (hg19) VCF-style: chr2-48033640-C-A.
Other names: c.3461C>A, p.Thr1154Lys (NM_001281492.2); c.2945C>A, p.Thr982Lys (NM_001281493.2, NM_001281494.2); short protein forms T1284K, T1154K, T982K.
Identifiers: ClinVar variation 583143 (VCV000583143.11), dbSNP rs63750836, ClinGen allele CA346761311.